The following is an entry in ClinVar:

ClinVar aggregate classification (germline): Uncertain significance. Review status: criteria provided, multiple submitters, no conflicts (2 of 4 stars). 7 submissions from 7 submitters: Uncertain significance (7). Last evaluated 2026-08-09.

Conditions:
Inborn genetic diseases. Identifiers: MedGen C0950123, MeSH D030342.
Developmental and epileptic encephalopathy, 12 (DEE12). Identifiers: MedGen C3150988, MONDO:0013389, OMIM 613722.

Allele frequency attached by ClinVar (database versions not stated): gnomAD 0.00033 and 0.00034; 1000 Genomes Project 30x 0.00172; TOPMed 0.00039; 1000 Genomes Project 0.00180; ESP Exome Variant Server 0.00054.
gnomAD v4.1: 91 of 1,614,038 alleles (0.0056%); highest among the groups gnomAD compares: African/African-American, 0.11%; no homozygotes.

Submissions (7):

GeneDx
Classification: Uncertain significance. Last evaluated: 2026-08-09. Review status: criteria provided, single submitter. Criteria: GeneDx Variant Classification Process June 2021. Collection method: clinical testing. Allele origin: germline.
Comment: Reported previously as a homozygous variant in a patient with primordial dwarfism and insulin resistance; however, multiple other homozygous variants were reported including a variant in SMC5 that was determined to be the cause for the phenotype (PMID: 36627765); In silico analysis supports that this missense variant has a deleterious effect on protein structure/function; This variant is associated with the following publications: (PMID: 22508754, 36627765)

CeGaT Center for Human Genetics Tuebingen
Classification: Uncertain significance. Last evaluated: 2026-01-01. Review status: criteria provided, single submitter. Criteria: CeGaT Center For Human Genetics Tuebingen Variant Classification Criteria Version 2. Collection method: clinical testing. Allele origin: germline. Affected: yes. Observed: 1 variant allele.
Comment: PNKP: PM2

Labcorp Genetics (formerly Invitae), Labcorp
Classification: Uncertain significance for Developmental and epileptic encephalopathy, 12. Last evaluated: 2025-01-13. Review status: criteria provided, single submitter. Criteria: Invitae Variant Classification Sherloc (09022015). Collection method: clinical testing. Allele origin: germline.
Comment: This sequence change replaces tyrosine, which is neutral and polar, with cysteine, which is neutral and slightly polar, at codon 196 of the PNKP protein (p.Tyr196Cys). This variant is present in population databases (rs138931842, gnomAD 0.1%). This variant has not been reported in the literature in individuals affected with PNKP-related conditions. ClinVar contains an entry for this variant (Variation ID: 95485). Invitae Evidence Modeling of protein sequence and biophysical properties (such as structural, functional, and spatial information, amino acid conservation, physicochemical variation, residue mobility, and thermodynamic stability) indicates that this missense variant is not expected to disrupt PNKP protein function with a negative predictive value of 80%. In summary, the available evidence is currently insufficient to determine the role of this variant in disease. Therefore, it has been classified as a Variant of Uncertain Significance.

Women's Health and Genetics/Laboratory Corporation of America, LabCorp
Classification: Uncertain significance. Last evaluated: 2024-07-09. Review status: criteria provided, single submitter. Criteria: LabCorp Variant Classification Summary - May 2015. Collection method: clinical testing. Allele origin: germline.
Comment: Variant summary: PNKP c.587A>G (p.Tyr196Cys) results in a non-conservative amino acid change located in the HAD-superfamily hydrolase,subfamily IIIA domain (IPR006549) of the encoded protein sequence. Four of five in-silico tools predict a damaging effect of the variant on protein function. The variant allele was found at a frequency of 8.4e-05 in 251426 control chromosomes. This frequency is not significantly higher than estimated for a pathogenic variant in PNKP causing PNKP-Related Disorders, allowing no conclusion about variant significance. To our knowledge, no occurrence of c.587A>G in individuals affected with PNKP-Related Disorders and no experimental evidence demonstrating its impact on protein function have been reported. The following publication has been ascertained in the context of this evaluation (PMID: 36627765). ClinVar contains an entry for this variant (Variation ID: 95485). Based on the evidence outlined above, the variant was classified as uncertain significance.

Mayo Clinic Laboratories, Mayo Clinic
Classification: Uncertain significance. Last evaluated: 2020-02-04. Review status: criteria provided, single submitter. Criteria: ACMG Guidelines, 2015. Collection method: clinical testing. Allele origin: germline. Observed: 1 variant allele.

Ambry Genetics
Classification: Uncertain significance for Inborn genetic diseases. Last evaluated: 2019-02-17. Review status: criteria provided, single submitter. Criteria: Ambry Variant Classification Scheme 2023. Collection method: clinical testing. Allele origin: germline.
Comment: The p.Y196C variant (also known as c.587A>G), located in coding exon 5 of the PNKP gene, results from an A to G substitution at nucleotide position 587. The tyrosine at codon 196 is replaced by cysteine, an amino acid with highly dissimilar properties. This amino acid position is well conserved in available vertebrate species. In addition, the in silico prediction for this alteration is inconclusive. Since supporting evidence is limited at this time, the clinical significance of this alteration remains unclear.

Eurofins Ntd Llc (ga)
Classification: Uncertain significance. Last evaluated: 2013-08-09. Review status: criteria provided, single submitter. Criteria: EGL Classification Definitions 2015. Collection method: clinical testing. Allele origin: germline. Observed: 1 variant allele, 1 heterozygote.

Literature cited by the submitters: PubMed 36627765 (cited by Women's Health and Genetics/Laboratory Corporation of America, LabCorp).

NM_007254.4(PNKP):c.587A>G (p.Tyr196Cys)

Gene: PNKP (polynucleotide kinase 3'-phosphatase; minus strand). Cytogenetic location: 19q13.33.
Variant type: single nucleotide variant.
Coding change: c.587A>G on transcript NM_007254.4 (MANE Select); coding-DNA position 587, A replaced by G.
Protein change: p.Tyr196Cys; replaces tyrosine 196 with cysteine.
Molecular consequence: missense variant.
Genome position (GRCh38, 1-based): chr19:49,864,228, T>C on the plus strand (A>G on the coding strand, the complement: PNKP is on the minus strand). VCF-style: chr19-49864228-T-C. GRCh37 (hg19) VCF-style: chr19-50367485-T-C.
Other names: short protein forms Y196C.
Identifiers: ClinVar variation 95485 (VCV000095485.35), dbSNP rs138931842, ClinGen allele CA223016.